The following is an entry in ClinVar:

NM_002529.4(NTRK1):c.1675C>G (p.Arg559Gly)

Gene: NTRK1 (neurotrophic receptor tyrosine kinase 1; plus strand). Cytogenetic location: 1q23.1.
Variant type: single nucleotide variant.
Coding change: c.1675C>G on transcript NM_002529.4 (MANE Select); coding-DNA position 1675, C replaced by G.
Protein change: p.Arg559Gly; replaces arginine 559 with glycine.
Molecular consequence: missense variant.
Genome position (GRCh38, 1-based): chr1:156,876,442, C>G. VCF-style: chr1-156876442-C-G. GRCh37 (hg19) VCF-style: chr1-156846234-C-G.
Other names: c.1675C>G, p.Arg559Gly (NM_001007204.1); c.1567C>G, p.Arg523Gly (NM_001007792.1); c.1657C>G, p.Arg553Gly (NM_001012331.2); short protein forms R553G, R523G, R559G.
Identifiers: ClinVar variation 1777379 (VCV001777379.2), dbSNP rs778358870, ClinGen allele CA342938476.

ClinVar aggregate classification (germline): Uncertain significance (1 of 4 stars; one submission).

Conditions:
Inborn genetic diseases. Identifiers: MedGen C0950123, MeSH D030342.

Submission:

Ambry Genetics
Classification: Uncertain significance for Inborn genetic diseases. Last evaluated: 2021-03-17. Review status: criteria provided, single submitter. Criteria: Ambry Variant Classification Scheme 2023. Collection method: clinical testing. Allele origin: germline.
Comment: The p.R553G variant (also known as c.1657C>G), located in coding exon 13 of the NTRK1 gene, results from a C to G substitution at nucleotide position 1657. The arginine at codon 553 is replaced by glycine, an amino acid with dissimilar properties. This amino acid position is highly conserved in available vertebrate species. In addition, this alteration is predicted to be deleterious by in silico analysis. Since supporting evidence is limited at this time, the clinical significance of this alteration remains unclear.